The following is an entry in ClinVar:

NM_007059.4(KPTN):c.1084_1089del (p.Phe362_Ser363del)

Gene: KPTN (kaptin, actin binding protein; minus strand). Cytogenetic location: 19q13.32.
Variant type: Deletion.
Coding change: c.1084_1089del on transcript NM_007059.4 (MANE Select); coding-DNA positions 1084 to 1089, 6 bases deleted (TTCTCC; older notation c.1084_1089delTTCTCC).
Protein change: p.Phe362_Ser363del.
Molecular consequence: inframe deletion. On other transcripts: non-coding transcript variant (1).
Genome position (GRCh38, 1-based): chr19:47,476,625-47,476,630, GGAGAA deleted on the plus strand (TTCTCC on the coding strand, the reverse complement: KPTN is on the minus strand); deleting any 6 consecutive bases within chr19:47,476,625-47,476,631 gives the same sequence; the c. name uses the placement nearest the transcript's 3' end. VCF-style (leftmost placement, unchanged base first): chr19-47476624-TGGAGAA-T. GRCh37 (hg19) VCF-style: chr19-47979881-TGGAGAA-T.
Other names: c.916_921del, p.Phe306_Ser307del (NM_001291296.2).
Identifiers: ClinVar variation 4886954 (VCV004886954.1).

ClinVar aggregate classification (germline): Likely pathogenic (1 of 4 stars; one submission).

Conditions:
Macrocephaly-developmental delay syndrome (MRT41). Also called: INTELLECTUAL DEVELOPMENTAL DISORDER, AUTOSOMAL RECESSIVE 41. Identifiers: Orphanet 397612, MedGen C3810225, MONDO:0014289, OMIM 615637.

Submission:

Genetics Laboratory, Department of Biology, Semnan University
Classification: Likely pathogenic for Macrocephaly-developmental delay syndrome. Last evaluated: 2018-05-24. Review status: criteria provided, single submitter. Criteria: ACMG Guidelines, 2015. Collection method: research. Allele origin: germline. Inheritance: Autosomal recessive inheritance. Affected: yes. Observed: 1 variant allele, 1 homozygote.
Comment: The identified variant leads to the loss of two codons GGAGAA in the KPTN protein. Hence, this substitution could alter the amino acid sequence and could leads to a decreased or loss of function of mutated protein.

Literature cited by the submitters: DOI 10.1016/j.ajhg.2013.10.001.